The following is an entry in ClinVar:

ClinVar aggregate classification (germline): Uncertain significance (1 of 4 stars; one submission).

Conditions:
Inborn genetic diseases. Identifiers: MedGen C0950123, MeSH D030342.

gnomAD v4.1: 1 of 1,613,914 alleles (0.000062%); highest among the groups gnomAD compares: Non-Finnish European, 0.000085%; no homozygotes.

Submission:

Ambry Genetics
Classification: Uncertain significance for Inborn genetic diseases. Last evaluated: 2025-06-28. Review status: criteria provided, single submitter. Criteria: Ambry Variant Classification Scheme 2023. Collection method: clinical testing. Allele origin: germline.
Comment: The p.R210L variant (also known as c.629G>T), located in coding exon 5 of the MECOM gene, results from a G to T substitution at nucleotide position 629. The arginine at codon 210 is replaced by leucine, an amino acid with dissimilar properties. This amino acid position is conserved. In addition, the in silico prediction for this alteration is inconclusive. Based on the available evidence, the clinical significance of this variant remains unclear.

NM_004991.4(MECOM):c.629G>T (p.Arg210Leu)

Gene: MECOM (MDS1 and EVI1 complex locus; minus strand). Cytogenetic location: 3q26.2.
Variant type: single nucleotide variant.
Coding change: c.629G>T on transcript NM_004991.4 (MANE Select); coding-DNA position 629, G replaced by T.
Protein change: p.Arg210Leu; replaces arginine 210 with leucine.
Molecular consequence: missense variant.
Genome position (GRCh38, 1-based): chr3:169,128,045, C>A on the plus strand (G>T on the coding strand, the complement: MECOM is on the minus strand). VCF-style: chr3-169128045-C-A. GRCh37 (hg19) VCF-style: chr3-168845833-C-A.
Other names: c.65G>T, p.Arg22Leu (NM_001163999.2, NM_001164000.2, NM_001205194.2 and 9 more transcripts); c.629G>T, p.Arg210Leu (NM_001366466.2, NM_001366473.2); c.257G>T, p.Arg86Leu (NM_001105077.4); short protein forms R86L, R210L, R22L.
Identifiers: ClinVar variation 4105739 (VCV004105739.1).